The following is an entry in ClinVar:

NM_001142800.2(EYS):c.2340C>A (p.Cys780Ter)

Gene: EYS (EGF-like photoreceptor maintenance factor; minus strand). Cytogenetic location: 6q12.
Variant type: single nucleotide variant.
Coding change: c.2340C>A on transcript NM_001142800.2 (MANE Select); coding-DNA position 2340, C replaced by A.
Protein change: p.Cys780Ter; replaces cysteine 780 with a stop codon.
Molecular consequence: nonsense.
Genome position (GRCh38, 1-based): chr6:64,945,834, G>T on the plus strand (C>A on the coding strand, the complement: EYS is on the minus strand). VCF-style: chr6-64945834-G-T. GRCh37 (hg19) VCF-style: chr6-65655727-G-T.
Other names: c.2340C>A, p.Cys780Ter (NM_001292009.2); short protein forms C780*.
Identifiers: ClinVar variation 2115846 (VCV002115846.5), dbSNP rs2533459312, ClinGen allele CA364788072.
Genomic context (GRCh38, chr6:64,945,834, plus strand): 5'-CTAAAAATATGTTACTCACCGATAGCTTTTGTAAAGGTCAGTACAGGTGGAATTGTTCTT[G>T]CAAGGATTCATTTTACACTCATTGGATTCTTGTTCACAAAAATTTCCTTCCCAATCAGAT-3'

ClinVar aggregate classification (germline): Pathogenic. Review status: criteria provided, multiple submitters, no conflicts (2 of 4 stars). 2 submissions from 2 submitters: Pathogenic (2). Last evaluated 2025-11-26.

Conditions:
Retinal dystrophy. Also called: Inherited retinal dystrophy. Identifiers: Orphanet 71862, MedGen C0854723, MeSH D058499, MONDO:0019118, HP:0000556.

gnomAD v4.1: 3 of 1,549,912 alleles (0.00019%); highest among the groups gnomAD compares: Non-Finnish European, 0.00017%; no homozygotes.

Submissions (2):

Labcorp Genetics (formerly Invitae), Labcorp
Classification: Pathogenic. Last evaluated: 2025-11-26. Review status: criteria provided, single submitter. Criteria: Invitae Variant Classification Sherloc (09022015). Collection method: clinical testing. Allele origin: germline.
Comment: This sequence change creates a premature translational stop signal (p.Cys780*) in the EYS gene. It is expected to result in an absent or disrupted protein product. Loss-of-function variants in EYS are known to be pathogenic (PMID: 18836446, 20333770). This variant is not present in population databases (gnomAD no frequency). This variant has not been reported in the literature in individuals affected with EYS-related conditions. ClinVar contains an entry for this variant (Variation ID: 2115846). For these reasons, this variant has been classified as Pathogenic.

Dept Of Ophthalmology, Nagoya University
Classification: Pathogenic for Retinal dystrophy. Last evaluated: 2023-10-01. Review status: criteria provided, single submitter. Criteria: Submitter's publication. Collection method: research. Allele origin: germline. Affected: yes.

Literature cited by the submitters: PubMed 18836446 (cited by Labcorp Genetics (formerly Invitae), Labcorp); PubMed 20333770 (cited by Labcorp Genetics (formerly Invitae), Labcorp).